The following is an entry in ClinVar:

ClinVar aggregate classification (germline): Uncertain significance (1 of 4 stars; one submission).

Conditions:
Ataxia-telangiectasia syndrome (AT). Also called: Ataxia-telangiectasia, complementation group D; LOUIS-BAR SYNDROME; ATAXIA-TELANGIECTASIA, COMPLEMENTATION GROUP A; ATAXIA-TELANGIECTASIA, FRESNO VARIANT; Ataxia telangiectasia (A-T); Cerebello-oculocutaneous telangiectasia. Identifiers: Orphanet 100, MedGen C0004135, MONDO:0008840, OMIM 208900.

Submission:

Labcorp Genetics (formerly Invitae), Labcorp
Classification: Uncertain significance for Ataxia-telangiectasia syndrome. Last evaluated: 2025-03-30. Review status: criteria provided, single submitter. Criteria: Invitae Variant Classification Sherloc (09022015). Collection method: clinical testing. Allele origin: germline.
Comment: This sequence change replaces proline, which is neutral and non-polar, with leucine, which is neutral and non-polar, at codon 552 of the ATM protein (p.Pro552Leu). This variant is not present in population databases (gnomAD no frequency). This variant has not been reported in the literature in individuals affected with ATM-related conditions. ClinVar contains an entry for this variant (Variation ID: 2763607). Invitae Evidence Modeling of protein sequence and biophysical properties (such as structural, functional, and spatial information, amino acid conservation, physicochemical variation, residue mobility, and thermodynamic stability) has been performed for this missense variant. However, the output from this modeling did not meet the statistical confidence thresholds required to predict the impact of this variant on ATM protein function. RNA analysis performed to evaluate the impact of this missense change on mRNA splicing indicates it does not significantly alter splicing (internal data). In summary, the available evidence is currently insufficient to determine the role of this variant in disease. Therefore, it has been classified as a Variant of Uncertain Significance.

NM_000051.4(ATM):c.1655C>T (p.Pro552Leu)

Gene: ATM (ATM serine/threonine kinase; plus strand). Cytogenetic location: 11q22.3.
Variant type: single nucleotide variant.
Coding change: c.1655C>T on transcript NM_000051.4 (MANE Select); coding-DNA position 1655, C replaced by T.
Protein change: p.Pro552Leu; replaces proline 552 with leucine.
Molecular consequence: missense variant.
Genome position (GRCh38, 1-based): chr11:108,251,884, C>T. VCF-style: chr11-108251884-C-T. GRCh37 (hg19) VCF-style: chr11-108122611-C-T.
Other names: c.1655C>T, p.Pro552Leu (NM_001351834.2); short protein forms P552L.
Identifiers: ClinVar variation 2763607 (VCV002763607.3), dbSNP rs2135340121, ClinGen allele CA382535058.